The following is an entry in ClinVar:

NM_000132.4(F8):c.6505C>T (p.Arg2169Cys)

Gene: F8 (coagulation factor VIII; minus strand). Cytogenetic location: Xq28.
Variant type: single nucleotide variant.
Coding change: c.6505C>T on transcript NM_000132.4 (MANE Select); coding-DNA position 6505, C replaced by T.
Protein change: p.Arg2169Cys; replaces arginine 2169 with cysteine.
Molecular consequence: missense variant.
Genome position (GRCh38, 1-based): chrX:154,863,152, G>A on the plus strand (C>T on the coding strand, the complement: F8 is on the minus strand). VCF-style: chrX-154863152-G-A. GRCh37 (hg19) VCF-style: chrX-154091427-G-A.
Other names: c.100C>T, p.Arg34Cys (NM_019863.3); short protein forms R2169C, R34C.
Identifiers: ClinVar variation 2637834 (VCV002637834.1), dbSNP rs782641941, ClinGen allele CA10567800.

ClinVar aggregate classification (germline): Pathogenic (1 of 4 stars; one submission).

Conditions:
Hereditary factor VIII deficiency disease (HEMA). Also called: HEMOPHILIA, CLASSIC; AUTOSOMAL HEMOPHILIA A; Hemophilia A; Hemophilia A, congenital; HEM A; Factor 8 deficiency, congenital. Identifiers: Orphanet 98878, MedGen C0019069, MONDO:0010602, OMIM 306700.

Allele frequency attached by ClinVar (database versions not stated): gnomAD exomes below 0.00001; ExAC 0.00001; TOPMed 0.00006.
gnomAD v4.1: 2 of 1,208,914 alleles (0.00017%); highest among the groups gnomAD compares: South Asian, 0.0018%; no homozygotes.

Submission:

Women's Health and Genetics/Laboratory Corporation of America, LabCorp
Classification: Pathogenic for Hereditary factor VIII deficiency disease. Last evaluated: 2023-10-20. Review status: criteria provided, single submitter. Criteria: LabCorp Variant Classification Summary - May 2015. Collection method: clinical testing. Allele origin: germline.
Comment: Variant summary: F8 c.6505C>T (p.Arg2169Cys) results in a non-conservative amino acid change located in the coagulation factor 5/8 C-terminal domain (IPR000421) of the encoded protein sequence. Four of five in-silico tools predict a damaging effect of the variant on protein function. The variant allele was found at a frequency of 5.5e-06 in 183385 control chromosomes (gnomAD). c.6505C>T has been reported in the literature in multiple individuals affected with Factor VIII Deficiency (Hemophilia A), all with a mild phenotype (e.g. Liu_2000, Silva Pinto_2012, Miller_2012, Inaba_2022). These data indicate that the variant is very likely to be associated with disease. To our knowledge, no experimental evidence demonstrating an impact on protein function has been reported. However, another variant resulting in a different amino acid change at the same codon (p.Arg2169His) has been classified as pathogenic, suggesting Arg2169 is important for protein function. The following publications have been ascertained in the context of this evaluation (PMID: 34751920, 10910913, 22103590, 21645180). No submitters have cited clinical-significance assessments for this variant to ClinVar after 2014. Based on the evidence outlined above, the variant was classified as pathogenic.

Literature cited by the submitters: PubMed 22103590; PubMed 21645180; PubMed 34751920; PubMed 10910913.